The following is an entry in ClinVar:

ClinVar aggregate classification (germline): Conflicting classifications of pathogenicity. Review status: criteria provided, conflicting classifications (1 of 4 stars). 18 submissions from 14 submitters: Uncertain significance (3); Benign (10); Likely benign (5). Last evaluated 2026-02-02.

Conditions:
Cardiovascular phenotype. Identifiers: MedGen CN230736.
Dilated cardiomyopathy 1G (CMD1G). Identifiers: Orphanet 154, MedGen C1858763, MONDO:0011400, OMIM 604145.
Autosomal recessive limb-girdle muscular dystrophy type 2J (LGMDR10). Also called: Limb-girdle muscular dystrophy, type 2J; MUSCULAR DYSTROPHY, LIMB-GIRDLE, AUTOSOMAL RECESSIVE 10. Identifiers: Orphanet 140922, MedGen C1837342, MONDO:0012127, OMIM 608807.
Cardiomyopathy (CMYO). Also called: Cardiomyopathies. Identifiers: Orphanet 167848, MedGen C0878544, MONDO:0004994, HP:0001638. Inheritance: Various modes of inheritance.
Early-onset myopathy with fatal cardiomyopathy (CMYO5). Also called: Salih Myopathy; CONGENITAL MYOPATHY 5 WITH CARDIOMYOPATHY. Identifiers: Orphanet 289377, MedGen C2673677, MONDO:0012714, OMIM 611705. Disease mechanism: loss of function.
Myopathy, myofibrillar, 9, with early respiratory failure (MFM9). Also called: Hereditary myopathy with early respiratory failure; MYOPATHY, PROXIMAL, WITH EARLY RESPIRATORY MUSCLE INVOLVEMENT; Myopathy, distal, with early respiratory failure, autosomal dominant; EDSTROM MYOPATHY. Identifiers: Orphanet 178464, Orphanet 34521, MedGen C1863599, MONDO:0011362, OMIM 603689.
Tibial muscular dystrophy (TMD). Also called: UDD MYOPATHY; Tibial muscular dystrophy, tardive; Udd Distal Myopathy – Tibial Muscular Dystrophy. Identifiers: Orphanet 609, MedGen C1838244, MONDO:0010870, OMIM 600334.
Primary dilated cardiomyopathy (DCM). Also called: Dilated Cardiomyopathy. Identifiers: Orphanet 217604, MedGen C0007193, MeSH D002311, MONDO:0005021, HP:0001644. Inheritance: Various modes of inheritance.

Allele frequency attached by ClinVar (database versions not stated): ExAC 0.00075; TOPMed 0.00268; gnomAD exomes 0.00061 and 0.00028; 1000 Genomes Project 0.00319; 1000 Genomes Project 30x 0.00328; ESP Exome Variant Server 0.00205; gnomAD 0.00243 and 0.00250.
gnomAD v4.1: 801 of 1,611,760 alleles (0.05%); highest among the groups gnomAD compares: African/African-American, 0.84%; 9 homozygotes.

Submissions (18):

Labcorp Genetics (formerly Invitae), Labcorp
Classification: Benign for Dilated cardiomyopathy 1G; Autosomal recessive limb-girdle muscular dystrophy type 2J. Last evaluated: 2026-02-02. Review status: criteria provided, single submitter. Criteria: Invitae Variant Classification Sherloc (09022015). Collection method: clinical testing. Allele origin: germline.

Mayo Clinic Laboratories, Mayo Clinic
Classification: Likely benign. Last evaluated: 2025-09-30. Review status: criteria provided, single submitter. Criteria: ACMG Guidelines, 2015. Collection method: clinical testing. Allele origin: germline. Observed: 8 variant alleles.
Comment: BS1, BP4_moderate

Molecular Diagnostic Laboratory for Inherited Cardiovascular Disease, Montreal Heart Institute
Classification: Benign. Last evaluated: 2025-04-09. Review status: criteria provided, single submitter. Criteria: ACMG Guidelines, 2015. Collection method: clinical testing. Allele origin: germline. Affected: no.

CeGaT Center for Human Genetics Tuebingen
Classification: Likely benign. Last evaluated: 2025-03-01. Review status: criteria provided, single submitter. Criteria: CeGaT Center For Human Genetics Tuebingen Variant Classification Criteria Version 2. Collection method: clinical testing. Allele origin: germline. Affected: yes. Observed: 5 variant alleles.
Comment: TTN: BP4, BS2

Blueprint Genetics
Classification: Likely benign. Last evaluated: 2024-10-02. Review status: criteria provided, single submitter. Criteria: ACMG Guidelines, 2015. Collection method: clinical testing. Allele origin: germline.

ARUP Laboratories, Molecular Genetics and Genomics, ARUP Laboratories
Classification: Likely benign. Last evaluated: 2023-11-29. Review status: criteria provided, single submitter. Criteria: ARUP Molecular Germline Variant Investigation Process 2024. Collection method: clinical testing. Allele origin: germline.

CHEO Genetics Diagnostic Laboratory, Children's Hospital of Eastern Ontario
Classification: Benign for Cardiomyopathy. Last evaluated: 2023-06-06. Review status: criteria provided, single submitter. Criteria: ACMG Guidelines, 2015. Collection method: clinical testing. Allele origin: germline.

Women's Health and Genetics/Laboratory Corporation of America, LabCorp
Classification: Benign. Last evaluated: 2021-05-03. Review status: criteria provided, single submitter. Criteria: LabCorp Variant Classification Summary - May 2015. Collection method: clinical testing. Allele origin: germline.
Comment: Variant summary: TTN c.76036A>G (p.Thr25346Ala) results in a non-conservative amino acid change located in the A-band region of the encoded protein sequence. Four of five in-silico tools predict a benign effect of the variant on protein function. The variant allele was found at a frequency of 0.00061 in 246338 control chromosomes, predominantly at a frequency of 0.0084 within the African or African-American subpopulation in the gnomAD database. The observed variant frequency within African or African-American control individuals in the gnomAD database is approximately 21.5 -fold the estimated maximal expected allele frequency for a pathogenic variant in TTN causing Dilated Cardiomyopathy phenotype (0.00039), strongly suggesting that the variant is a benign polymorphism found primarily in populations of African or African-American origin. Eight clinical diagnostic laboratories have submitted clinical-significance assessments for this variant to ClinVar after 2014 without evidence for independent evaluation, citing the variant as benign/likely benign (n=7) and uncertain significance (n=1). Based on the evidence outlined above, the variant was classified as benign.

Center for Advanced Laboratory Medicine, UC San Diego Health, University of California San Diego
Classification: Benign for Dilated cardiomyopathy. Last evaluated: 2019-05-08. Review status: criteria provided, single submitter. Criteria: ACMG Guidelines, 2015. Collection method: clinical testing. Allele origin: germline. Affected: yes. Observed: 2 variant alleles.

Illumina Laboratory Services, Illumina
Classification: Benign for Myopathy, myofibrillar, 9, with early respiratory failure. Last evaluated: 2018-01-12. Review status: criteria provided, single submitter. Criteria: ICSL Variant Classification Criteria 13 December 2019. Collection method: clinical testing. Allele origin: germline.
Comment: This variant was observed in the ICSL laboratory as part of a predisposition screen in an ostensibly healthy population. It had not been previously curated by ICSL or reported in the Human Gene Mutation Database (HGMD: prior to June 1st, 2018), and was therefore a candidate for classification through an automated scoring system. Utilizing variant allele frequency, disease prevalence and penetrance estimates, and inheritance mode, an automated score was calculated to assess if this variant is too frequent to cause the disease. Based on the score and internal cut-off values, a variant classified as benign is not then subjected to further curation. The score for this variant resulted in a classification of benign for this disease.

Illumina Laboratory Services, Illumina
Classification: Benign for Tibial muscular dystrophy. Last evaluated: 2018-01-12. Review status: criteria provided, single submitter. Criteria: ICSL Variant Classification Criteria 13 December 2019. Collection method: clinical testing. Allele origin: germline.
Comment: the same text as in the submission from Illumina Laboratory Services, Illumina above.

Illumina Laboratory Services, Illumina
Classification: Uncertain significance for Dilated cardiomyopathy 1G. Last evaluated: 2018-01-12. Review status: criteria provided, single submitter. Criteria: ICSL Variant Classification Criteria 13 December 2019. Collection method: clinical testing. Allele origin: germline.

Illumina Laboratory Services, Illumina
Classification: Uncertain significance for Autosomal recessive limb-girdle muscular dystrophy type 2J. Last evaluated: 2018-01-12. Review status: criteria provided, single submitter. Criteria: ICSL Variant Classification Criteria 13 December 2019. Collection method: clinical testing. Allele origin: germline.

Illumina Laboratory Services, Illumina
Classification: Uncertain significance for Early-onset myopathy with fatal cardiomyopathy. Last evaluated: 2018-01-12. Review status: criteria provided, single submitter. Criteria: ICSL Variant Classification Criteria 13 December 2019. Collection method: clinical testing. Allele origin: germline.

Ambry Genetics
Classification: Benign for Cardiovascular phenotype. Last evaluated: 2015-10-23. Review status: criteria provided, single submitter. Criteria: Ambry Variant Classification Scheme 2023. Collection method: clinical testing. Allele origin: germline.

Eurofins Ntd Llc (ga)
Classification: Benign. Last evaluated: 2015-06-09. Review status: criteria provided, single submitter. Criteria: EGL Classification Definitions 2015. Collection method: clinical testing. Allele origin: germline. Observed: 1 variant allele, 1 heterozygote.

GeneDx
Classification: Benign. Last evaluated: 2015-04-08. Review status: criteria provided, single submitter. Criteria: GeneDx Variant Classification (06012015). Collection method: clinical testing. Allele origin: germline. Affected: yes.
Comment: This variant is considered likely benign or benign based on one or more of the following criteria: it is a conservative change, it occurs at a poorly conserved position in the protein, it is predicted to be benign by multiple in silico algorithms, and/or has population frequency not consistent with disease.

Laboratory for Molecular Medicine, Mass General Brigham Personalized Medicine
Classification: Likely benign. Last evaluated: 2015-04-01. Review status: criteria provided, single submitter. Criteria: LMM Criteria. Collection method: clinical testing. Allele origin: germline. Observed: 5 variant alleles.
Comment: p.Thr25346Ala in exon 275 of TTN: This variant is not expected to have clinical significance because it has been identified in 0.8% (78/9782) of African chromos omes by the Exome Aggregation Consortium (ExAC; dbSNP rs188370772).

Literature cited by the submitters: PubMed 32746448 (cited by Mayo Clinic Laboratories, Mayo Clinic).

NM_001267550.2(TTN):c.83740A>G (p.Thr27914Ala)

Genes: TTN (titin; minus strand), TTN-AS1 (TTN antisense RNA 1; plus strand). Cytogenetic location: 2q31.2.
Variant type: single nucleotide variant.
Coding change: c.83740A>G on transcript NM_001267550.2 (MANE Select); coding-DNA position 83740, A replaced by G.
Protein change: p.Thr27914Ala; replaces threonine 27914 with alanine.
Molecular consequence: missense variant.
Genome position (GRCh38, 1-based): chr2:178,562,392, T>C on the plus strand (A>G on the coding strand, the complement: TTN is on the minus strand). VCF-style: chr2-178562392-T-C. GRCh37 (hg19) VCF-style: chr2-179427119-T-C.
Other names: p.T26273A:ACA>GCA; p.Thr26273Ala; c.78817A>G, p.Thr26273Ala (NM_001256850.1); c.56545A>G, p.Thr18849Ala (NM_003319.4); c.76036A>G, p.Thr25346Ala (NM_133378.4); c.56920A>G, p.Thr18974Ala (NM_133432.3); c.57121A>G, p.Thr19041Ala (NM_133437.4); short protein forms T25346A, T27914A, T26273A, T18849A, T19041A, T18974A.
Identifiers: ClinVar variation 96309 (VCV000096309.65), dbSNP rs188370772, ClinGen allele CA181689.